The following is an entry in ClinVar:

ClinVar aggregate classification (germline): Likely benign (0 of 4 stars; one submission).

Conditions:
CEP170B-related disorder. Also called: CEP170B-related condition.

Allele frequency attached by ClinVar (database versions not stated): gnomAD 0.00004; gnomAD exomes 0.00004; TOPMed 0.00007; ExAC 0.00010; 1000 Genomes Project 30x 0.00016; 1000 Genomes Project 0.00020.
gnomAD v4.1: 63 of 1,545,030 alleles (0.0041%); highest among the groups gnomAD compares: African/African-American, 0.012%; no homozygotes.

Submission:

PreventionGenetics, part of Exact Sciences
Classification: Likely benign for CEP170B-related condition. Last evaluated: 2019-10-28. Review status: no assertion criteria provided. Collection method: clinical testing. Allele origin: germline.
Comment: This variant is classified as likely benign based on ACMG/AMP sequence variant interpretation guidelines (Richards et al. 2015 PMID: 25741868, with internal and published modifications).

NM_001112726.3(CEP170B):c.1572G>A (p.Pro524=)

Gene: CEP170B (centrosomal protein 170B; plus strand). Cytogenetic location: 14q32.33.
Variant type: single nucleotide variant.
Coding change: c.1572G>A on transcript NM_001112726.3 (MANE Select); coding-DNA position 1572, G replaced by A.
Protein change: p.Pro524=; no amino-acid change (proline 524 retained).
Molecular consequence: synonymous variant.
Genome position (GRCh38, 1-based): chr14:104,884,351, G>A. VCF-style: chr14-104884351-G-A. GRCh37 (hg19) VCF-style: chr14-105350688-G-A.
Other names: c.1362G>A, p.Pro454= (NM_015005.3).
Identifiers: ClinVar variation 3040376 (VCV003040376.2), dbSNP rs538480548, ClinGen allele CA7375621.
Genomic context (GRCh38, chr14:104,884,351, plus strand): 5'-GGCCCAGTGTCTGCGGGAGAGCTCCCCGGCCGCCCGGCCCAGCCCCGAGAAGGTTCCTCC[G>A]GTGCTGCCCGCTCCCCTGACACCCCATGGGACCAGCCCCGTGGGCCCCCCGACCCCACCG-3'
Protein context (NP_001106197.1, residues 514-534): AARPSPEKVP[Pro524=]VLPAPLTPHG